The following is an entry in ClinVar:

NM_014053.4(FLVCR1):c.28dup (p.Ala10fs)

Gene: FLVCR1 (FLVCR choline and heme transporter 1; plus strand). Cytogenetic location: 1q32.3.
Variant type: Duplication.
Coding change: c.28dup on transcript NM_014053.4 (MANE Select); coding-DNA position 28, one base duplicated (G; older notation c.28dupG).
Protein change: p.Ala10fs; shifts the reading frame from alanine 10.
Molecular consequence: frameshift variant.
Genome position (GRCh38, 1-based): chr1:212,858,480, G duplicated; the last of 5 consecutive G bases (chr1:212,858,476-212,858,480); duplicating any one gives the same sequence. VCF-style (leftmost placement, unchanged base first): chr1-212858475-A-AG. GRCh37 (hg19) VCF-style: chr1-213031817-A-AG.
Other names: short protein forms A10fs.
Identifiers: ClinVar variation 4736549 (VCV004736549.1).

ClinVar aggregate classification (germline): Pathogenic (1 of 4 stars; one submission).

Submission:

Labcorp Genetics (formerly Invitae), Labcorp
Classification: Pathogenic. Last evaluated: 2026-02-01. Review status: criteria provided, single submitter. Criteria: Invitae Variant Classification Sherloc (09022015). Collection method: clinical testing. Allele origin: germline.
Comment: This sequence change creates a premature translational stop signal (p.Ala10Glyfs*80) in the FLVCR1 gene. It is expected to result in an absent or disrupted protein product. Loss-of-function variants in FLVCR1 are known to be pathogenic (PMID: 23591405, 27923065). This variant is not present in population databases (gnomAD no frequency). This variant has not been reported in the literature in individuals affected with FLVCR1-related conditions. For these reasons, this variant has been classified as Pathogenic.

Literature cited by the submitters: PubMed 23591405; PubMed 27923065.